The following is an entry in ClinVar:

NM_001166108.2(PALLD):c.2507C>T (p.Pro836Leu)

Genes: CBR4 (carbonyl reductase 4; minus strand), PALLD (palladin, cytoskeletal associated protein; plus strand). Cytogenetic location: 4q32.3.
Variant type: single nucleotide variant.
Coding change: c.2507C>T on transcript NM_001166108.2 (MANE Select); coding-DNA position 2507, C replaced by T.
Protein change: p.Pro836Leu; replaces proline 836 with leucine.
Molecular consequence: missense variant.
Genome position (GRCh38, 1-based): chr4:168,903,791, C>T. VCF-style: chr4-168903791-C-T. GRCh37 (hg19) VCF-style: chr4-169824942-C-T.
Other names: c.1310C>T, p.Pro437Leu (NM_001166109.2); c.995C>T, p.Pro332Leu (NM_001166110.2); c.335C>T, p.Pro112Leu (NM_001367567.1, NM_001367569.1); c.386C>T, p.Pro129Leu (NM_001367568.1, NM_001367570.1); c.2456C>T, p.Pro819Leu (NM_016081.4); short protein forms P836L, P332L, P819L, P437L, P112L, P129L.
Identifiers: ClinVar variation 2563425 (VCV002563425.2), dbSNP rs1464837952, ClinGen allele CA358799311.
Genomic context (GRCh38, chr4:168,903,791, plus strand): 5'-TCTTTAATCTTTGTTTCTATTCACAGATCTATTGGTTTAAAGATGGGAAGCAGATCTCTC[C>T]AAAGAGTGATCACTACACCATTCAAAGAGATCTCGATGGGACCTGCTCCCTCCATACCAC-3'
Protein context (NP_001159580.1, residues 826-846): YWFKDGKQIS[Pro836Leu]KSDHYTIQRD

ClinVar aggregate classification (germline): Uncertain significance (1 of 4 stars; one submission).

Allele frequency attached by ClinVar (database versions not stated): TOPMed below 0.00001; gnomAD 0.00001.
gnomAD v4.1: 2 of 1,610,984 alleles (0.00012%); highest among the groups gnomAD compares: Non-Finnish European, 0.000085%; no homozygotes.

Submission:

Ambry Genetics
Classification: Uncertain significance. Last evaluated: 2023-05-26. Review status: criteria provided, single submitter. Criteria: Ambry Variant Classification Scheme 2023. Collection method: clinical testing. Allele origin: germline.
Comment: The p.P819L variant (also known as c.2456C>T), located in coding exon 13 of the PALLD gene, results from a C to T substitution at nucleotide position 2456. The proline at codon 819 is replaced by leucine, an amino acid with similar properties. This amino acid position is conserved. In addition, this alteration is predicted to be tolerated by in silico analysis. Since supporting evidence is limited at this time, the clinical significance of this alteration remains unclear.